The following is an entry in ClinVar:

NM_000051.4(ATM):c.3152A>C (p.Glu1051Ala)

Gene: ATM (ATM serine/threonine kinase; plus strand). Cytogenetic location: 11q22.3.
Variant type: single nucleotide variant.
Coding change: c.3152A>C on transcript NM_000051.4 (MANE Select); coding-DNA position 3152, A replaced by C.
Protein change: p.Glu1051Ala; replaces glutamic acid 1051 with alanine.
Molecular consequence: missense variant.
Genome position (GRCh38, 1-based): chr11:108,272,606, A>C. VCF-style: chr11-108272606-A-C. GRCh37 (hg19) VCF-style: chr11-108143333-A-C.
Other names: c.3152A>C, p.Glu1051Ala (NM_001351834.2); short protein forms E1051A.
Identifiers: ClinVar variation 407518 (VCV000407518.20), dbSNP rs876659217, ClinGen allele CA16613396.

ClinVar aggregate classification (germline): Uncertain significance. Review status: criteria provided, multiple submitters, no conflicts (2 of 4 stars). 4 submissions from 4 submitters: Uncertain significance (4). Last evaluated 2025-09-23.

Conditions:
Hereditary cancer-predisposing syndrome. Also called: Hereditary neoplastic syndrome; Neoplastic Syndromes, Hereditary; Tumor predisposition; Hereditary Cancer Syndrome. Identifiers: Orphanet 140162, MedGen C0027672, MeSH D009386, MONDO:0015356.
Ataxia-telangiectasia syndrome (AT). Also called: Ataxia telangiectasia (A-T); LOUIS-BAR SYNDROME; Cerebello-oculocutaneous telangiectasia; Immunodeficiency with ataxia telangiectasia; Ataxia-telangiectasia, complementation group D; AT, COMPLEMENTATION GROUP C. Identifiers: Orphanet 100, MedGen C0004135, MONDO:0008840, OMIM 208900.

gnomAD v4.1: 1 of 1,613,652 alleles (0.000062%); highest among the groups gnomAD compares: Non-Finnish European, 0.000085%; no homozygotes.

Submissions (4):

Labcorp Genetics (formerly Invitae), Labcorp
Classification: Uncertain significance for Ataxia-telangiectasia syndrome. Last evaluated: 2025-09-23. Review status: criteria provided, single submitter. Criteria: Invitae Variant Classification Sherloc (09022015). Collection method: clinical testing. Allele origin: germline.
Comment: This sequence change replaces glutamic acid, which is acidic and polar, with alanine, which is neutral and non-polar, at codon 1051 of the ATM protein (p.Glu1051Ala). This variant is not present in population databases (gnomAD no frequency). This missense change has been observed in individual(s) with prostate cancer (PMID: 35534218). ClinVar contains an entry for this variant (Variation ID: 407518). An algorithm developed to predict the effect of missense changes on protein structure and function (PolyPhen-2) suggests that this variant is likely to be tolerated. RNA analysis performed to evaluate the impact of this missense change on mRNA splicing indicates it does not significantly alter splicing (internal data). In summary, the available evidence is currently insufficient to determine the role of this variant in disease. Therefore, it has been classified as a Variant of Uncertain Significance.

Ambry Genetics
Classification: Uncertain significance for Hereditary cancer-predisposing syndrome. Last evaluated: 2025-08-08. Review status: criteria provided, single submitter. Criteria: Ambry Variant Classification Scheme 2023. Collection method: clinical testing. Allele origin: germline.
Comment: The p.E1051A variant (also known as c.3152A>C), located in coding exon 20 of the ATM gene, results from an A to C substitution at nucleotide position 3152. The glutamic acid at codon 1051 is replaced by alanine, an amino acid with dissimilar properties. This alteration was observed in 0/53 unselected male breast cancer patients and 1/12490 male controls of Japanese ancestry (Momozawa Y et al. Nat Commun, 2018 10;9:4083). This amino acid position is highly conserved in available vertebrate species. In addition, the in silico prediction for this alteration is inconclusive. Since supporting evidence is limited at this time, the clinical significance of this alteration remains unclear.

GeneDx
Classification: Uncertain significance. Last evaluated: 2022-11-11. Review status: criteria provided, single submitter. Criteria: GeneDx Variant Classification Process June 2021. Collection method: clinical testing. Allele origin: germline. Affected: yes.
Comment: Not observed at significant frequency in large population cohorts (gnomAD); In silico analysis supports that this missense variant has a deleterious effect on protein structure/function; Not observed in a cohort of individuals with male breast cancer; however, it was observed in controls (Momozawa et al., 2018); This variant is associated with the following publications: (PMID: 19781682, 30287823)

Color Diagnostics, LLC DBA Color Health
Classification: Uncertain significance for Hereditary cancer-predisposing syndrome. Last evaluated: 2020-03-18. Review status: criteria provided, single submitter. Criteria: ACMG Guidelines, 2015. Collection method: clinical testing. Allele origin: germline.
Comment: This missense variant replaces glutamic acid with alanine at codon 1051 of the ATM protein. Computational prediction is inconclusive regarding the impact of this variant on protein structure and function (internally defined REVEL score threshold 0.5 < inconclusive < 0.7, PMID: 27666373). Splice site prediction tools suggest that this variant may not impact RNA splicing. To our knowledge, functional studies have not been reported for this variant. This variant has not been reported in individuals affected with hereditary cancer in the literature. This variant has not been identified in the general population by the Genome Aggregation Database (gnomAD). The available evidence is insufficient to determine the role of this variant in disease conclusively. Therefore, this variant is classified as a Variant of Uncertain Significance.

Literature cited by the submitters: PubMed 35534218 (cited by Labcorp Genetics (formerly Invitae), Labcorp); PubMed 30287823 (cited by Ambry Genetics).